The following is an entry in ClinVar:

ClinVar aggregate classification (germline): Uncertain significance. Review status: criteria provided, multiple submitters, no conflicts (2 of 4 stars). 2 submissions from 2 submitters: Uncertain significance (2). Last evaluated 2024-11-21.

Conditions:
Charcot-Marie-Tooth disease type 2. Also called: Charcot-Marie-Tooth type 2. Identifiers: Orphanet 64746, MedGen C0270914, MONDO:0018993.

Allele frequency attached by ClinVar (database versions not stated): gnomAD exomes below 0.00001.
gnomAD v4.1: 2 of 1,614,092 alleles (0.00012%); highest among the groups gnomAD compares: East Asian, 0.0045%; no homozygotes.

Submissions (2):

Ambry Genetics
Classification: Uncertain significance. Last evaluated: 2024-11-21. Review status: criteria provided, single submitter. Criteria: Ambry Variant Classification Scheme 2023. Collection method: clinical testing. Allele origin: germline.
Comment: The p.V1716M variant (also known as c.5146G>A), located in coding exon 44 of the KIF1B gene, results from a G to A substitution at nucleotide position 5146. The valine at codon 1716 is replaced by methionine, an amino acid with highly similar properties. This amino acid position is not well conserved in available vertebrate species. In addition, this alteration is predicted to be tolerated by in silico analysis. The evidence for this gene-disease relationship is limited; therefore, the clinical significance of this alteration is unclear.

Labcorp Genetics (formerly Invitae), Labcorp
Classification: Uncertain significance for Charcot-Marie-Tooth disease type 2. Last evaluated: 2024-06-30. Review status: criteria provided, single submitter. Criteria: Invitae Variant Classification Sherloc (09022015). Collection method: clinical testing. Allele origin: germline.
Comment: This sequence change replaces valine, which is neutral and non-polar, with methionine, which is neutral and non-polar, at codon 1716 of the KIF1B protein (p.Val1716Met). This variant is not present in population databases (gnomAD no frequency). This variant has not been reported in the literature in individuals affected with KIF1B-related conditions. ClinVar contains an entry for this variant (Variation ID: 1745634). An algorithm developed to predict the effect of missense changes on protein structure and function (PolyPhen-2) suggests that this variant is likely to be tolerated. In summary, the available evidence is currently insufficient to determine the role of this variant in disease. Therefore, it has been classified as a Variant of Uncertain Significance.

NM_001365951.3(KIF1B):c.5284G>A (p.Val1762Met)

Gene: KIF1B (kinesin family member 1B; plus strand). Cytogenetic location: 1p36.22.
Variant type: single nucleotide variant.
Coding change: c.5284G>A on transcript NM_001365951.3 (MANE Select); coding-DNA position 5284, G replaced by A.
Protein change: p.Val1762Met; replaces valine 1762 with methionine.
Molecular consequence: missense variant.
Genome position (GRCh38, 1-based): chr1:10,375,041, G>A. VCF-style: chr1-10375041-G-A. GRCh37 (hg19) VCF-style: chr1-10435099-G-A.
Other names: c.5284G>A, p.Val1762Met (NM_001365952.1); c.5146G>A, p.Val1716Met (NM_015074.3); short protein forms V1762M, V1716M.
Identifiers: ClinVar variation 1745634 (VCV001745634.5), dbSNP rs1638843925, ClinGen allele CA338330983.